The following is an entry in ClinVar:

ClinVar aggregate classification (germline): Uncertain significance. Review status: criteria provided, multiple submitters, no conflicts (2 of 4 stars). 3 submissions from 3 submitters: Uncertain significance (3). Last evaluated 2025-07-30.

Conditions:
Cardiovascular phenotype. Identifiers: MedGen CN230736.

Allele frequency attached by ClinVar (database versions not stated): gnomAD exomes 0.00008 and 0.00006; gnomAD 0.00003 and 0.00004; ExAC 0.00009; ESP Exome Variant Server 0.00013; TOPMed 0.00005.
gnomAD v4.1: 123 of 1,612,020 alleles (0.0076%); highest among the groups gnomAD compares: Non-Finnish European, 0.0096%; no homozygotes.

Submissions (3):

Ambry Genetics
Classification: Uncertain significance for Cardiovascular phenotype. Last evaluated: 2025-07-30. Review status: criteria provided, single submitter. Criteria: Ambry Variant Classification Scheme 2023. Collection method: clinical testing. Allele origin: germline.
Comment: The p.R3240H variant (also known as c.9719G>A), located in coding exon 27 of the TNXB gene, results from a G to A substitution at nucleotide position 9719. The arginine at codon 3240 is replaced by histidine, an amino acid with highly similar properties. This amino acid position is well conserved in available vertebrate species. In addition, this alteration is predicted to be tolerated by in silico analysis. Since supporting evidence is limited at this time, the clinical significance of this alteration remains unclear.

Women's Health and Genetics/Laboratory Corporation of America, LabCorp
Classification: Uncertain significance. Last evaluated: 2025-07-30. Review status: criteria provided, single submitter. Criteria: LabCorp Variant Classification Summary - May 2015. Collection method: clinical testing. Allele origin: germline.
Comment: Variant summary: TNXB c.9719G>A (p.Arg3240His) results in a non-conservative amino acid change in the encoded protein sequence. Algorithms developed to predict the effect of missense changes on protein structure and function are either unavailable or do not agree on the potential impact of this missense change. The variant allele was found at a frequency of 5.7e-05 in 245586 control chromosomes. This frequency is not significantly higher than estimated for a pathogenic variant in TNXB causing Ehlers-Danlos syndrome due to tenascin-X deficiency (5.7e-05 vs 0.0011), allowing no conclusion about variant significance. To our knowledge, no occurrence of c.9719G>A in individuals affected with Ehlers-Danlos syndrome due to tenascin-X deficiency and no experimental evidence demonstrating its impact on protein function have been reported. ClinVar contains an entry for this variant (Variation ID: 1195802). Based on the evidence outlined above, the variant was classified as uncertain significance.

GeneDx
Classification: Uncertain significance. Last evaluated: 2024-03-06. Review status: criteria provided, single submitter. Criteria: GeneDx Variant Classification Process June 2021. Collection method: clinical testing. Allele origin: germline. Affected: yes.
Comment: Has not been previously published as pathogenic or benign to our knowledge; In silico analysis supports that this missense variant has a deleterious effect on protein structure/function

NM_001365276.2(TNXB):c.9725G>A (p.Arg3242His)

Gene: TNXB (tenascin XB; minus strand). Cytogenetic location: 6p21.33.
Variant type: single nucleotide variant.
Coding change: c.9725G>A on transcript NM_001365276.2 (MANE Select); coding-DNA position 9725, G replaced by A.
Protein change: p.Arg3242His; replaces arginine 3242 with histidine.
Molecular consequence: missense variant.
Genome position (GRCh38, 1-based): chr6:32,049,302, C>T on the plus strand (G>A on the coding strand, the complement: TNXB is on the minus strand). VCF-style: chr6-32049302-C-T. GRCh37 (hg19) VCF-style: chr6-32017079-C-T.
Other names: c.9719G>A, p.Arg3240His (NM_019105.8); short protein forms R3240H, R3242H.
Identifiers: ClinVar variation 1195802 (VCV001195802.8), dbSNP rs374187712, ClinGen allele CA3733433.